The following is an entry in ClinVar:

NM_022041.4(GAN):c.1191T>A (p.Tyr397Ter)

Gene: GAN (gigaxonin; plus strand). Cytogenetic location: 16q23.2.
Variant type: single nucleotide variant.
Coding change: c.1191T>A on transcript NM_022041.4 (MANE Select); coding-DNA position 1191, T replaced by A.
Protein change: p.Tyr397Ter; replaces tyrosine 397 with a stop codon.
Molecular consequence: nonsense.
Genome position (GRCh38, 1-based): chr16:81,363,898, T>A. VCF-style: chr16-81363898-T-A. GRCh37 (hg19) VCF-style: chr16-81397503-T-A.
Other names: c.552T>A, p.Tyr184Ter (NM_001377486.1); short protein forms Y184*, Y397*.
Identifiers: ClinVar variation 2041538 (VCV002041538.4), dbSNP rs2507747114, ClinGen allele CA396890674.

ClinVar aggregate classification (germline): Pathogenic (1 of 4 stars; one submission).

Conditions:
Giant axonal neuropathy 1 (GAN1). Also called: GIANT AXONAL NEUROPATHY 1, AUTOSOMAL RECESSIVE; GAN-Related Neurodegeneration. Identifiers: Orphanet 643, MedGen C1850386, MONDO:0009749, OMIM 256850.

Submission:

Labcorp Genetics (formerly Invitae), Labcorp
Classification: Pathogenic for Giant axonal neuropathy 1. Last evaluated: 2021-12-13. Review status: criteria provided, single submitter. Criteria: Invitae Variant Classification Sherloc (09022015). Collection method: clinical testing. Allele origin: germline.
Comment: For these reasons, this variant has been classified as Pathogenic. This variant has not been reported in the literature in individuals affected with GAN-related conditions. This variant is not present in population databases (gnomAD no frequency). This sequence change creates a premature translational stop signal (p.Tyr397*) in the GAN gene. It is expected to result in an absent or disrupted protein product. Loss-of-function variants in GAN are known to be pathogenic (PMID: 12655563, 14718689, 23890932).

Literature cited by the submitters: PubMed 12655563; PubMed 14718689; PubMed 23890932.